The following is an entry in ClinVar:

ClinVar aggregate classification (germline): Conflicting classifications of pathogenicity. Review status: criteria provided, conflicting classifications (1 of 4 stars). 4 submissions from 4 submitters: Uncertain significance (3); Likely benign (1). Last evaluated 2025-07-17.

Conditions:
Hereditary nonpolyposis colorectal neoplasms. Identifiers: MedGen C0009405, MeSH D003123.
Hereditary cancer-predisposing syndrome. Also called: Neoplastic Syndromes, Hereditary; Tumor predisposition; Hereditary Cancer Syndrome; Hereditary neoplastic syndrome. Identifiers: Orphanet 140162, MedGen C0027672, MeSH D009386, MONDO:0015356.

Allele frequency attached by ClinVar (database versions not stated): gnomAD exomes below 0.00001; TOPMed below 0.00001.

Submissions (4):

Ambry Genetics
Classification: Uncertain significance for Hereditary cancer-predisposing syndrome. Last evaluated: 2025-07-17. Review status: criteria provided, single submitter. Criteria: Ambry Variant Classification Scheme 2023. Collection method: clinical testing. Allele origin: germline.
Comment: The p.K870N variant (also known as c.2610A>C), located in coding exon 4 of the MSH6 gene, results from an A to C substitution at nucleotide position 2610. The lysine at codon 870 is replaced by asparagine, an amino acid with similar properties. This amino acid position is not well conserved in available vertebrate species. In addition, this alteration is predicted to be tolerated by in silico analysis. Based on the available evidence, the clinical significance of this variant remains unclear.

Molecular Diagnostics Laboratory, Catalan Institute of Oncology
Classification: Uncertain significance for Hereditary cancer-predisposing syndrome. Last evaluated: 2025-02-10. Review status: criteria provided, single submitter. Criteria: MMR VCEP Paper Draft V3.1. Collection method: clinical testing. Allele origin: germline.
Comment: PM2_Supporting, BP4 c.2610A>C located in exon 4 of the MSH6 gene, is predicted to result in the substitution of lysine by asparagine at codon 870; p.(Lys870Asn).This variant is found in 1/266877 in the gnomAD v2.1.1 database (PM2_Supporting). Computational tools for this variant suggests no significant impact on splicing and does not affect the protein function (MAPP+PolyPhen-2 prior probability for pathogenicity: 0.002)(BP4). To our knowledge, functional studies have not been reported for this variant. In addition, the variant has been reported in ClinVar (2x uncertain significance, 1x likely benign) has not been identified neither in LOVD nor InSiGHT databases. Based on currently available information, the variant c.2610A>C is classified as an uncertain significance variant according to ClinGen-MMR Guidelines Draft v3.1.

Color Diagnostics, LLC DBA Color Health
Classification: Uncertain significance for Hereditary cancer-predisposing syndrome. Last evaluated: 2024-03-06. Review status: criteria provided, single submitter. Criteria: ACMG Guidelines, 2015. Collection method: clinical testing. Allele origin: germline.
Comment: This missense variant replaces lysine with asparagine at codon 870 of the MSH6 protein. Computational prediction suggests that this variant may not impact protein structure and function (internally defined REVEL score threshold <= 0.5, PMID: 27666373). Splice site prediction tools suggest that this variant may not impact RNA splicing. To our knowledge, functional studies have not been reported for this variant. This variant has not been reported in individuals affected with hereditary cancer in the literature. This variant has been identified in 1/249990 chromosomes in the general population by the Genome Aggregation Database (gnomAD). The available evidence is insufficient to determine the role of this variant in disease conclusively. Therefore, this variant is classified as a Variant of Uncertain Significance.

Labcorp Genetics (formerly Invitae), Labcorp
Classification: Likely benign for Hereditary nonpolyposis colorectal neoplasms. Last evaluated: 2023-08-04. Review status: criteria provided, single submitter. Criteria: Invitae Variant Classification Sherloc (09022015). Collection method: clinical testing. Allele origin: germline.

NM_000179.3(MSH6):c.2610A>C (p.Lys870Asn)

Gene: MSH6 (mutS homolog 6; plus strand). Cytogenetic location: 2p16.3.
Variant type: single nucleotide variant.
Coding change: c.2610A>C on transcript NM_000179.3 (MANE Select); coding-DNA position 2610, A replaced by C.
Protein change: p.Lys870Asn; replaces lysine 870 with asparagine.
Molecular consequence: missense variant.
Genome position (GRCh38, 1-based): chr2:47,800,593, A>C. VCF-style: chr2-47800593-A-C. GRCh37 (hg19) VCF-style: chr2-48027732-A-C.
Other names: c.2220A>C, p.Lys740Asn (NM_001281492.2); c.1704A>C, p.Lys568Asn (NM_001281493.2, NM_001281494.2); short protein forms K568N, K740N, K870N.
Identifiers: ClinVar variation 925886 (VCV000925886.17), dbSNP rs1342190653, ClinGen allele CA346754979.